The following is an entry in ClinVar:

ClinVar aggregate classification (germline): Pathogenic. Review status: criteria provided, multiple submitters, no conflicts (2 of 4 stars). 3 submissions from 3 submitters: Pathogenic (2). 1 of the submissions does not count toward it. Last evaluated 2024-06-11.

Conditions:
Marfan syndrome (MFS). Also called: Marfan syndrome type 1; Marfan syndrome, classic; Marfan's syndrome; FBN1-Related Marfan Syndrome; MARFAN SYNDROME, TYPE I. Identifiers: Orphanet 284963, Orphanet 558, MedGen C0024796, MONDO:0007947, OMIM 154700.
Familial thoracic aortic aneurysm and aortic dissection (TAAD). Also called: Thoracic aortic aneurysms and dissections. Identifiers: Orphanet 91387, MedGen C4707243, MONDO:0019625.

Submissions (3):

Labcorp Genetics (formerly Invitae), Labcorp
Classification: Pathogenic for Marfan syndrome; Familial thoracic aortic aneurysm and aortic dissection. Last evaluated: 2024-06-11. Review status: criteria provided, single submitter. Criteria: Invitae Variant Classification Sherloc (09022015). Collection method: clinical testing. Allele origin: germline.
Comment: This sequence change replaces cysteine, which is neutral and slightly polar, with arginine, which is basic and polar, at codon 2318 of the FBN1 protein (p.Cys2318Arg). This variant is not present in population databases (gnomAD no frequency). This missense change has been observed in individuals with Marfan syndrome (PMID: 21542060). ClinVar contains an entry for this variant (Variation ID: 549381). Advanced modeling of protein sequence and biophysical properties (such as structural, functional, and spatial information, amino acid conservation, physicochemical variation, residue mobility, and thermodynamic stability) performed at Invitae indicates that this missense variant is expected to disrupt FBN1 protein function with a positive predictive value of 95%. This variant affects a cysteine residue in the EGF-like, TGFBP or hybrid motif domains of FBN1. Cysteine residues are believed to be involved in intramolecular disulfide bridges and have been shown to be important for FBN1 protein structure (PMID: 16905551, 19349279). In addition, missense substitutions affecting cysteine residues within these domains are significantly overrepresented among patients with Marfan syndrome (PMID: 16571647, 17701892). For these reasons, this variant has been classified as Pathogenic.

Centre of Medical Genetics, University of Antwerp
Classification: Pathogenic for Marfan syndrome. Last evaluated: 2021-03-01. Review status: criteria provided, single submitter. Criteria: Submitter's publication. Collection method: research. Allele origin: unknown. Affected: yes. Observed: 2 variant alleles.
Comment: PM2, PVS2, PP1, PP4

Center for Medical Genetics Ghent, University of Ghent
Classification: Likely pathogenic for Marfan syndrome. Last evaluated: 2017-11-07. Review status: no assertion criteria provided. Collection method: clinical testing. Allele origin: germline. Affected: yes. Not counted in ClinVar's aggregate classification.

Literature cited by the submitters: PubMed 21542060 (cited by Labcorp Genetics (formerly Invitae), Labcorp); PubMed 16905551 (cited by Labcorp Genetics (formerly Invitae), Labcorp); PubMed 19349279 (cited by Labcorp Genetics (formerly Invitae), Labcorp); PubMed 16571647 (cited by Labcorp Genetics (formerly Invitae), Labcorp); PubMed 17701892 (cited by Labcorp Genetics (formerly Invitae), Labcorp).

NM_000138.5(FBN1):c.6952T>C (p.Cys2318Arg)

Gene: FBN1 (fibrillin 1; minus strand). Cytogenetic location: 15q21.1.
Variant type: single nucleotide variant.
Coding change: c.6952T>C on transcript NM_000138.5 (MANE Select); coding-DNA position 6952, T replaced by C.
Protein change: p.Cys2318Arg; replaces cysteine 2318 with arginine.
Molecular consequence: missense variant.
Genome position (GRCh38, 1-based): chr15:48,428,391, A>G on the plus strand (T>C on the coding strand, the complement: FBN1 is on the minus strand). VCF-style: chr15-48428391-A-G. GRCh37 (hg19) VCF-style: chr15-48720588-A-G.
Other names: short protein forms C2318R.
Identifiers: ClinVar variation 549381 (VCV000549381.21), dbSNP rs111588631, ClinGen allele CA269521842.